The following is an entry in ClinVar:

ClinVar aggregate classification (germline): Uncertain significance (1 of 4 stars; one submission).

Allele frequency attached by ClinVar (database versions not stated): TOPMed below 0.00001; gnomAD exomes below 0.00001.
gnomAD v4.1: 2 of 1,471,246 alleles (0.00014%); highest among the groups gnomAD compares: Admixed American, 0.0048%; no homozygotes.

Submission:

Labcorp Genetics (formerly Invitae), Labcorp
Classification: Uncertain significance. Last evaluated: 2025-06-11. Review status: criteria provided, single submitter. Criteria: Invitae Variant Classification Sherloc (09022015). Collection method: clinical testing. Allele origin: germline.
Comment: This sequence change replaces serine, which is neutral and polar, with threonine, which is neutral and polar, at codon 133 of the DMRT2 protein (p.Ser133Thr). This variant is present in population databases (no rsID available, gnomAD 0.01%). This variant has not been reported in the literature in individuals affected with DMRT2-related conditions. ClinVar contains an entry for this variant (Variation ID: 2721832). An algorithm developed to predict the effect of missense changes on protein structure and function (PolyPhen-2) suggests that this variant is likely to be disruptive. In summary, the available evidence is currently insufficient to determine the role of this variant in disease. Therefore, it has been classified as a Variant of Uncertain Significance.

NM_181872.6(DMRT2):c.397T>A (p.Ser133Thr)

Gene: DMRT2 (doublesex and mab-3 related transcription factor 2; plus strand). Cytogenetic location: 9p24.3.
Variant type: single nucleotide variant.
Coding change: c.397T>A on transcript NM_181872.6 (MANE Select); coding-DNA position 397, T replaced by A.
Protein change: p.Ser133Thr; replaces serine 133 with threonine.
Molecular consequence: missense variant. On other transcripts: 5 prime UTR variant (1), non-coding transcript variant (1).
Genome position (GRCh38, 1-based): chr9:1,052,010, T>A. VCF-style: chr9-1052010-T-A. GRCh37 (hg19) VCF-style: chr9-1052010-T-A.
Other names: c.397T>A, p.Ser133Thr (NM_001130865.3, NM_001370531.1, NM_001370533.1 and 4 more transcripts); c.-254T>A (NM_001370532.1); short protein forms S133T.
Identifiers: ClinVar variation 2721832 (VCV002721832.3), dbSNP rs1047364217, ClinGen allele CA187867440.
Genomic context (GRCh38, chr9:1,052,010, plus strand): 5'-GAGCCGCGCAAGCTGAGCCGCACGCCCAAGTGCGCGCGCTGCCGCAACCACGGCGTGGTG[T>A]CCTGCCTGAAGGGCCACAAGCGCTTCTGTCGCTGGCGCGACTGCCAGTGCGCCAACTGCC-3'
Protein context (NP_870987.2, residues 123-143): CARCRNHGVV[Ser133Thr]CLKGHKRFCR